The following is an entry in ClinVar:

ClinVar aggregate classification (germline): Uncertain significance (1 of 4 stars; one submission).

Conditions:
Gorlin syndrome. Also called: Basal cell nevus syndrome; Nevoid Basal Cell Carcinoma Syndrome. Identifiers: Orphanet 377, MedGen C0004779, MONDO:0007187.

Submission:

Labcorp Genetics (formerly Invitae), Labcorp
Classification: Uncertain significance for Gorlin syndrome. Last evaluated: 2022-05-18. Review status: criteria provided, single submitter. Criteria: Invitae Variant Classification Sherloc (09022015). Collection method: clinical testing. Allele origin: germline.
Comment: In summary, the available evidence is currently insufficient to determine the role of this variant in disease. Therefore, it has been classified as a Variant of Uncertain Significance. Algorithms developed to predict the effect of sequence changes on RNA splicing suggest that this variant may disrupt the consensus splice site. This variant has not been reported in the literature in individuals affected with PTCH2-related conditions. This variant is not present in population databases (gnomAD no frequency). This sequence change affects codon 575 of the PTCH2 mRNA. It is a 'silent' change, meaning that it does not change the encoded amino acid sequence of the PTCH2 protein.

NM_003738.5(PTCH2):c.1725G>A (p.Gln575=)

Gene: PTCH2 (patched 2; minus strand). Cytogenetic location: 1p34.1.
Variant type: single nucleotide variant.
Coding change: c.1725G>A on transcript NM_003738.5 (MANE Select); coding-DNA position 1725, G replaced by A.
Protein change: p.Gln575=; no amino-acid change (glutamine 575 retained).
Molecular consequence: synonymous variant.
Genome position (GRCh38, 1-based): chr1:44,828,176, C>T on the plus strand (G>A on the coding strand, the complement: PTCH2 is on the minus strand). VCF-style: chr1-44828176-C-T. GRCh37 (hg19) VCF-style: chr1-45293848-C-T.
Other names: c.1725G>A, p.Gln575= (NM_001166292.2).
Identifiers: ClinVar variation 2178637 (VCV002178637.4), dbSNP rs2148876048, ClinGen allele CA417562338.